The following is an entry in ClinVar:

ClinVar aggregate classification (germline): Pathogenic (1 of 4 stars; one submission).

Submission:

Labcorp Genetics (formerly Invitae), Labcorp
Classification: Pathogenic. Last evaluated: 2022-07-05. Review status: criteria provided, single submitter. Criteria: Invitae Variant Classification Sherloc (09022015). Collection method: clinical testing. Allele origin: germline.
Comment: This sequence change creates a premature translational stop signal (p.Ser224Glnfs*60) in the TCF3 gene. It is expected to result in an absent or disrupted protein product. Loss-of-function variants in TCF3 are known to be pathogenic (PMID: 24216514, 30063982). This variant is not present in population databases (gnomAD no frequency). This variant has not been reported in the literature in individuals affected with TCF3-related conditions. For these reasons, this variant has been classified as Pathogenic.

Literature cited by the submitters: PubMed 24216514; PubMed 30063982.

NM_003200.5(TCF3):c.670del (p.Ser224fs)

Gene: TCF3 (transcription factor 3; minus strand). Cytogenetic location: 19p13.3.
Variant type: Deletion.
Coding change: c.670del on transcript NM_003200.5 (MANE Select); coding-DNA position 670, one base deleted (T; older notation c.670delT).
Protein change: p.Ser224fs; shifts the reading frame from serine 224.
Molecular consequence: frameshift variant.
Genome position (GRCh38, 1-based): chr19:1,622,206, A deleted on the plus strand (T on the coding strand, the reverse complement: TCF3 is on the minus strand). VCF-style (leftmost placement, unchanged base first): chr19-1622205-GA-G. GRCh37 (hg19) VCF-style: chr19-1622204-GA-G.
Other names: c.670del, p.Ser224fs (NM_001136139.4, NM_001351778.2, NM_001351779.2); short protein forms S224fs.
Identifiers: ClinVar variation 2073832 (VCV002073832.1), dbSNP rs2513666225, ClinGen allele CA2580096105.